The following is an entry in ClinVar:

NM_013339.4(ALG6):c.100_101del (p.Met34fs)

Gene: ALG6 (ALG6 alpha-1,3-glucosyltransferase; plus strand). Cytogenetic location: 1p31.3.
Variant type: Deletion.
Coding change: c.100_101del on transcript NM_013339.4 (MANE Select); coding-DNA positions 100 to 101, 2 bases deleted (AT; older notation c.100_101delAT).
Protein change: p.Met34fs; shifts the reading frame from methionine 34.
Molecular consequence: frameshift variant.
Genome position (GRCh38, 1-based): chr1:63,396,530-63,396,531, AT deleted; deleting any 2 consecutive bases within chr1:63,396,529-63,396,531 gives the same sequence; the c. name uses the placement nearest the transcript's 3' end. VCF-style (leftmost placement, unchanged base first): chr1-63396528-CTA-C. GRCh37 (hg19) VCF-style: chr1-63862199-CTA-C.
Other names: short protein forms M34fs.
Identifiers: ClinVar variation 2045342 (VCV002045342.5), dbSNP rs1648830820, ClinGen allele CA1171476556.

ClinVar aggregate classification (germline): Pathogenic/Likely pathogenic. Review status: criteria provided, multiple submitters, no conflicts (2 of 4 stars). 2 submissions from 2 submitters: Pathogenic (1); Likely pathogenic (1). Last evaluated 2024-04-23.

Conditions:
ALG6-congenital disorder of glycosylation 1C (CDG1C). Also called: Congenital disorder of glycosylation, type Ic; CARBOHYDRATE-DEFICIENT GLYCOPROTEIN SYNDROME, TYPE I, WITH DEFICIENT GLYCOSYLATION OF DOLICHOL-LINKED OLIGOSACCHARIDE; CARBOHYDRATE-DEFICIENT GLYCOPROTEIN SYNDROME, TYPE V; Congenital disorder of glycosylation type 1C; CDG Ic. Identifiers: Orphanet 79320, MedGen C2930997, MONDO:0011291, OMIM 603147.

Submissions (2):

Fulgent Genetics
Classification: Likely pathogenic for ALG6-congenital disorder of glycosylation 1C. Last evaluated: 2024-04-23. Review status: criteria provided, single submitter. Criteria: ACMG Guidelines, 2015. Collection method: clinical testing. Allele origin: germline.

Labcorp Genetics (formerly Invitae), Labcorp
Classification: Pathogenic for ALG6-congenital disorder of glycosylation 1C. Last evaluated: 2021-12-17. Review status: criteria provided, single submitter. Criteria: Invitae Variant Classification Sherloc (09022015). Collection method: clinical testing. Allele origin: germline.
Comment: This sequence change creates a premature translational stop signal (p.Met34Valfs*3) in the ALG6 gene. It is expected to result in an absent or disrupted protein product. Loss-of-function variants in ALG6 are known to be pathogenic (PMID: 19862844). For these reasons, this variant has been classified as Pathogenic. This variant has not been reported in the literature in individuals affected with ALG6-related conditions. This variant is not present in population databases (gnomAD no frequency).

Literature cited by the submitters: PubMed 19862844 (cited by Labcorp Genetics (formerly Invitae), Labcorp).